The following is an entry in ClinVar:

ClinVar aggregate classification (germline): Pathogenic/Likely pathogenic. Review status: criteria provided, multiple submitters, no conflicts (2 of 4 stars). 9 submissions from 9 submitters: Pathogenic (7); Likely pathogenic (1). 1 of the submissions does not count toward it. Last evaluated 2026-09-28.

Conditions:
Monogenic hearing loss.
Hearing impairment. Also called: Impaired Hearing. Identifiers: MedGen C1384666, MONDO:0005365, HP:0000365.
Autosomal recessive nonsyndromic hearing loss 49. Also called: Deafness, neurosensory, autosomal recessive 49. Identifiers: Orphanet 90636, MedGen C1857811, MONDO:0012420, OMIM 610153.

Allele frequency attached by ClinVar (database versions not stated): gnomAD below 0.00001 and 0.00001; gnomAD exomes 0.00003 and 0.00004; ExAC 0.00004.
gnomAD v4.1: 48 of 1,613,878 alleles (0.003%); highest among the groups gnomAD compares: South Asian, 0.038%; no homozygotes.

Submissions (9):

Genetics Laboratory, Great Ormond Street Hospital NHS Foundation Trust, North Thames Genomic Laboratory Hub
Classification: Pathogenic for Monogenic hearing loss. Last evaluated: 2026-09-28. Review status: criteria provided, single submitter. Criteria: ACGS Best Practice Guidelines for Variant Classification in Rare Disease 2024 v1.2. Collection method: clinical testing. Allele origin: germline. Affected: yes.
Comment: PM2_supporting, PVS1_very-strong, PP1_strong, PM3_moderate

3billion
Classification: Pathogenic for Autosomal recessive nonsyndromic hearing loss 49. Last evaluated: 2025-10-28. Review status: criteria provided, single submitter. Criteria: ACMG Guidelines, 2015. Collection method: clinical testing. Allele origin: germline. Affected: yes.
Comment: The variant is observed at an extremely low frequency in the gnomAD v4.1.0 dataset (total allele frequency: 0.003%). Predicted Consequence/Location: Canonical splice site: predicted to alter splicing and result in a loss or disruption of normal protein function. Multiple pathogenic loss-of-function variants are reported downstream of the variant. In silico tools predict the variant to alter splicing and produce an abnormal transcript [SpliceAI: 0.98 (spliceogenicity >=0.2, non-spliceogenicity <0.1)]. The variant has been reported at least twice as pathogenic with clinical assertions and evidence for the classification (ClinVar ID: VCV000871776 /PMID: 17186462 /3billion dataset). Therefore, this variant is classified as Pathogenic according to the recommendation of ACMG/AMP guideline.

CeGaT Center for Human Genetics Tuebingen
Classification: Pathogenic. Last evaluated: 2025-10-01. Review status: criteria provided, single submitter. Criteria: CeGaT Center For Human Genetics Tuebingen Variant Classification Criteria Version 2. Collection method: clinical testing. Allele origin: germline. Affected: yes. Observed: 3 variant alleles.
Comment: MARVELD2: PVS1, PM2, PM3

GeneDx
Classification: Pathogenic. Last evaluated: 2023-11-03. Review status: criteria provided, single submitter. Criteria: GeneDx Variant Classification Process June 2021. Collection method: clinical testing. Allele origin: germline. Affected: yes.
Comment: Canonical splice site variant predicted to result in a null allele in a gene for which loss of function is a known mechanism of disease; This variant is associated with the following publications: (PMID: 25525159, 34426522, 34238775, 32445360, 26561413, 18084694, 17186462, 25652404, 32884365, 30303587, 25666562, 22097895, 25885414, 30872814, 29752989, 34440452, 32847582, 37108562, 30406641)

Labcorp Genetics (formerly Invitae), Labcorp
Classification: Pathogenic. Last evaluated: 2022-06-19. Review status: criteria provided, single submitter. Criteria: Invitae Variant Classification Sherloc (09022015). Collection method: clinical testing. Allele origin: germline.
Comment: This variant is present in population databases (rs772048719, gnomAD 0.02%). For these reasons, this variant has been classified as Pathogenic. Studies have shown that disruption of this splice site alters mRNA splicing and is expected to lead to the loss of protein expression (PMID: 17186462). ClinVar contains an entry for this variant (Variation ID: 871776). This variant is also known as TRIC IVS4+2T>C. Disruption of this splice site has been observed in individual(s) with autosomal recessive deafness (PMID: 22097895, 25666562). This sequence change affects a donor splice site in intron 4 of the MARVELD2 gene. It is expected to disrupt RNA splicing. Variants that disrupt the donor or acceptor splice site typically lead to a loss of protein function (PMID: 16199547), and loss-of-function variants in MARVELD2 are known to be pathogenic (PMID: 17186462).

Department of Otolaryngology – Head & Neck Surgery, Cochlear Implant Center
Classification: Likely pathogenic for Hearing impairment. Last evaluated: 2021-04-12. Review status: criteria provided, single submitter. Criteria: ClinGen HL ACMG Specifications v1. Collection method: clinical testing. Allele origin: germline. Affected: yes.
Comment: PVS1_Strong, PM2_Moderate, PM3_Supporting

Institute of Medical Genetics and Applied Genomics, University Hospital Tübingen
Classification: Pathogenic. Last evaluated: 2021-02-01. Review status: criteria provided, single submitter. Criteria: ACMG Guidelines, 2015. Collection method: clinical testing. Allele origin: germline. Inheritance: Autosomal recessive inheritance. Affected: yes.

Center of Genomic medicine, Geneva, University Hospital of Geneva
Classification: Pathogenic for Autosomal recessive nonsyndromic hearing loss 49. Last evaluated: 2020-10-21. Review status: criteria provided, single submitter. Criteria: ACMG Guidelines, 2015. Collection method: clinical testing. Allele origin: germline. Affected: yes. Observed: 1 variant allele.

OMIM
Classification: Pathogenic for DEAFNESS, AUTOSOMAL RECESSIVE 49. Last evaluated: 2008-01-01. Review status: no assertion criteria provided. Collection method: literature only. Allele origin: germline. Not counted in ClinVar's aggregate classification.

Literature cited by the submitters: PubMed 17186462 (cited by 3 submitters); PubMed 22097895 (cited by Labcorp Genetics (formerly Invitae), Labcorp); PubMed 25666562 (cited by Labcorp Genetics (formerly Invitae), Labcorp); PubMed 16199547 (cited by Labcorp Genetics (formerly Invitae), Labcorp); PubMed 18084694 (cited by OMIM).

NM_001038603.3(MARVELD2):c.1331+2T>C

Gene: MARVELD2 (MARVEL domain containing 2; plus strand). Cytogenetic location: 5q13.2.
Variant type: single nucleotide variant.
Coding change: c.1331+2T>C on transcript NM_001038603.3 (MANE Select); the canonical splice donor site of the intron after coding-DNA position 1331, T replaced by C.
Molecular consequence: splice donor variant.
Genome position (GRCh38, 1-based): chr5:69,432,677, T>C. VCF-style: chr5-69432677-T-C. GRCh37 (hg19) VCF-style: chr5-68728504-T-C.
Other names: IVS4DS, T-C, +2; c.1295+2T>C (NM_001244734.2).
Identifiers: ClinVar variation 871776 (VCV000871776.57), dbSNP rs772048719, ClinGen allele CA3294230.